The following is an entry in ClinVar:

NM_001486.4(GCKR):c.1368C>T (p.Ile456=)

Gene: GCKR (glucokinase regulator; plus strand). Cytogenetic location: 2p23.3.
Variant type: single nucleotide variant.
Coding change: c.1368C>T on transcript NM_001486.4 (MANE Select); coding-DNA position 1368, C replaced by T.
Protein change: p.Ile456=; no amino-acid change (isoleucine 456 retained).
Molecular consequence: synonymous variant.
Genome position (GRCh38, 1-based): chr2:27,508,197, C>T. VCF-style: chr2-27508197-C-T. GRCh37 (hg19) VCF-style: chr2-27731064-C-T.
Identifiers: ClinVar variation 91935 (VCV000091935.2), dbSNP rs386352306, ClinGen allele CA232195.

ClinVar aggregate classification (germline): Uncertain significance (0 of 4 stars; one submission).

Allele frequency attached by ClinVar (database versions not stated): gnomAD exomes below 0.00001; TOPMed 0.00001.
gnomAD v4.1: 3 of 1,612,440 alleles (0.00019%); highest among the groups gnomAD compares: Non-Finnish European, 0.00025%; no homozygotes.

Submission:

Richard Lifton Laboratory, Yale University School of Medicine
Classification: Uncertain significance. Review status: no assertion criteria provided. Collection method: not provided. Allele origin: somatic.
Comment: GCKR
ClinVar note: Converted during submission from unknown to Uncertain significance.